The following is an entry in ClinVar:

NM_000368.5(TSC1):c.3436G>A (p.Asp1146Asn)

Gene: TSC1 (TSC complex subunit 1; minus strand). Cytogenetic location: 9q34.13.
Variant type: single nucleotide variant.
Coding change: c.3436G>A on transcript NM_000368.5 (MANE Select); coding-DNA position 3436, G replaced by A.
Protein change: p.Asp1146Asn; replaces aspartic acid 1146 with asparagine.
Molecular consequence: missense variant.
Genome position (GRCh38, 1-based): chr9:132,896,294, C>T on the plus strand (G>A on the coding strand, the complement: TSC1 is on the minus strand). VCF-style: chr9-132896294-C-T. GRCh37 (hg19) VCF-style: chr9-135771681-C-T.
Other names: c.3433G>A, p.Asp1145Asn (NM_001162426.2); c.3283G>A, p.Asp1095Asn (NM_001162427.2); c.3073G>A, p.Asp1025Asn (NM_001362177.2); short protein forms D1146N, D1095N, D1025N, D1145N.
Identifiers: ClinVar variation 961295 (VCV000961295.9), dbSNP rs397514806, ClinGen allele CA375366384.

ClinVar aggregate classification (germline): Uncertain significance. Review status: criteria provided, multiple submitters, no conflicts (2 of 4 stars). 2 submissions from 2 submitters: Uncertain significance (2). Last evaluated 2026-07-06.

Conditions:
Tuberous sclerosis 1 (TSC1). Identifiers: Orphanet 805, MedGen C1854465, MONDO:0008612, OMIM 191100.
Hereditary cancer-predisposing syndrome. Also called: Neoplastic Syndromes, Hereditary; Hereditary Cancer Syndrome; Tumor predisposition; Hereditary neoplastic syndrome. Identifiers: Orphanet 140162, MedGen C0027672, MeSH D009386, MONDO:0015356.

Submissions (2):

Ambry Genetics
Classification: Uncertain significance for Hereditary cancer-predisposing syndrome. Last evaluated: 2026-07-06. Review status: criteria provided, single submitter. Criteria: Ambry Variant Classification Scheme 2023. Collection method: clinical testing. Allele origin: germline.
Comment: The p.D1146N variant (also known as c.3436G>A), located in coding exon 21 of the TSC1 gene, results from a G to A substitution at nucleotide position 3436. The aspartic acid at codon 1146 is replaced by asparagine, an amino acid with highly similar properties. This amino acid position is conserved. In addition, this alteration is predicted to be tolerated by in silico analysis. Based on the available evidence, the clinical significance of this variant remains unclear.

Labcorp Genetics (formerly Invitae), Labcorp
Classification: Uncertain significance for Tuberous sclerosis 1. Last evaluated: 2019-10-15. Review status: criteria provided, single submitter. Criteria: Invitae Variant Classification Sherloc (09022015). Collection method: clinical testing. Allele origin: germline.
Comment: In summary, the available evidence is currently insufficient to determine the role of this variant in disease. Therefore, it has been classified as a Variant of Uncertain Significance. Algorithms developed to predict the effect of missense changes on protein structure and function (SIFT, PolyPhen-2, Align-GVGD) all suggest that this variant is likely to be tolerated, but these predictions have not been confirmed by published functional studies and their clinical significance is uncertain. This variant has not been reported in the literature in individuals with TSC1-related conditions. This variant is not present in population databases (ExAC no frequency). This sequence change replaces aspartic acid with asparagine at codon 1146 of the TSC1 protein (p.Asp1146Asn). The aspartic acid residue is weakly conserved and there is a small physicochemical difference between aspartic acid and asparagine.